The following is an entry in ClinVar:

ClinVar aggregate classification (germline): Conflicting classifications of pathogenicity. Review status: criteria provided, conflicting classifications (1 of 4 stars). 5 submissions from 5 submitters: Uncertain significance (1); Likely benign (4). Last evaluated 2026-07-30.

Conditions:
RECQL4-related disorder. Also called: RECQL4-related disorders; RECQL4-related condition.
Rothmund-Thomson syndrome type 2 (RTS2). Identifiers: Orphanet 221016, MedGen C5203410, MONDO:0016369, OMIM 268400.
Baller-Gerold syndrome (BGS). Also called: CRANIOSYNOSTOSIS WITH RADIAL DEFECTS. Identifiers: Orphanet 1225, MedGen C0265308, MONDO:0009039, OMIM 218600.

Allele frequency attached by ClinVar (database versions not stated): ExAC 0.00001; TOPMed 0.00001; gnomAD exomes 0.00002; gnomAD 0.00004.
gnomAD v4.1: 42 of 1,612,230 alleles (0.0026%); highest among the groups gnomAD compares: Middle Eastern, 0.21%; no homozygotes.

Submissions (5):

PreventionGenetics, part of Exact Sciences
Classification: Likely benign for RECQL4-related condition. Last evaluated: 2026-07-30. Review status: criteria provided, single submitter. Criteria: ACMG Guidelines, 2015. Collection method: clinical testing. Allele origin: germline.
Comment: This variant is classified as likely benign based on ACMG/AMP sequence variant interpretation guidelines (Richards et al. 2015 PMID: 25741868, with internal and published modifications).

Labcorp Genetics (formerly Invitae), Labcorp
Classification: Likely benign for Baller-Gerold syndrome. Last evaluated: 2025-09-04. Review status: criteria provided, single submitter. Criteria: Invitae Variant Classification Sherloc (09022015). Collection method: clinical testing. Allele origin: germline.

KCCC/NGS Laboratory, Kuwait Cancer Control Center
Classification: Likely benign for Rothmund-Thomson syndrome type 2. Last evaluated: 2023-07-07. Review status: criteria provided, single submitter. Criteria: ACMG Guidelines, 2015. Collection method: clinical testing. Allele origin: germline. Affected: yes.

Blueprint Genetics
Classification: Uncertain significance. Last evaluated: 2023-05-10. Review status: criteria provided, single submitter. Criteria: ACMG Guidelines, 2015. Collection method: clinical testing. Allele origin: germline.

CeGaT Center for Human Genetics Tuebingen
Classification: Likely benign. Last evaluated: 2023-02-01. Review status: criteria provided, single submitter. Criteria: CeGaT Center For Human Genetics Tuebingen Variant Classification Criteria Version 2. Collection method: clinical testing. Allele origin: germline. Affected: yes. Observed: 1 variant allele.
Comment: RECQL4: BP4, BP7

NM_004260.4(RECQL4):c.2799C>T (p.His933=)

Gene: RECQL4 (RecQ like helicase 4; minus strand). Cytogenetic location: 8q24.3.
Variant type: single nucleotide variant.
Coding change: c.2799C>T on transcript NM_004260.4 (MANE Select); coding-DNA position 2799, C replaced by T.
Protein change: p.His933=; no amino-acid change (histidine 933 retained).
Molecular consequence: synonymous variant.
Genome position (GRCh38, 1-based): chr8:144,512,728, G>A on the plus strand (C>T on the coding strand, the complement: RECQL4 is on the minus strand). VCF-style: chr8-144512728-G-A. GRCh37 (hg19) VCF-style: chr8-145738111-G-A.
Identifiers: ClinVar variation 459436 (VCV000459436.40), dbSNP rs769613313, ClinGen allele CA4948070.
Genomic context (GRCh38, chr8:144,512,728, plus strand): 5'-AGGGCCCCCAGGGCAGTTCAGACGGCAATGGGTATAGGTGGTCGCCAGCAGCTCCAGCCA[G>A]TGGTGTGGGTGCAGCTCCAGGTAGCACAGCAAAGTCTCGATGGCTGGGGGCAGAGCAGGG-3'
Protein context (NP_004251.4, residues 923-943): LLCYLELHPH[His933=]WLELLATTYT